The following is an entry in ClinVar:

ClinVar aggregate classification (germline): Conflicting classifications of pathogenicity. Review status: criteria provided, conflicting classifications (1 of 4 stars). 2 submissions from 2 submitters: Pathogenic (1); Uncertain significance (1). Last evaluated 2021-08-19.

Conditions:
Charcot-Marie-Tooth disease type 2E (CMT2E). Also called: CHARCOT-MARIE-TOOTH DISEASE, AXONAL, TYPE 2E; CHARCOT-MARIE-TOOTH NEUROPATHY, TYPE 2E. Identifiers: Orphanet 99939, MedGen C1843225, MONDO:0011894, OMIM 607684.
Charcot-Marie-Tooth disease type 1F. Also called: Charcot-Marie-Tooth disease, demyelinating, type 1f; CHARCOT-MARIE-TOOTH NEUROPATHY, TYPE 1F. Identifiers: Orphanet 101085, MedGen C1843164, MONDO:0011902, OMIM 607734.

Submissions (2):

Labcorp Genetics (formerly Invitae), Labcorp
Classification: Uncertain significance for Charcot-Marie-Tooth disease type 2E. Last evaluated: 2021-08-19. Review status: criteria provided, single submitter. Criteria: Invitae Variant Classification Sherloc (09022015). Collection method: clinical testing. Allele origin: germline.
Comment: This sequence change replaces threonine with proline at codon 88 of the NEFL protein (p.Thr88Pro). The threonine residue is highly conserved and there is a small physicochemical difference between threonine and proline. This variant is not present in population databases (ExAC no frequency). This variant has not been reported in the literature in individuals affected with NEFL-related conditions. Experimental studies and prediction algorithms are not available or were not evaluated, and the functional significance of this variant is currently unknown. In summary, the available evidence is currently insufficient to determine the role of this variant in disease. Therefore, it has been classified as a Variant of Uncertain Significance.

Genetics and Molecular Pathology, SA Pathology
Classification: Pathogenic for Charcot-Marie-Tooth disease type 1F. Last evaluated: 2021-06-25. Review status: criteria provided, single submitter. Criteria: ACMG Guidelines, 2015. Collection method: clinical testing. Allele origin: germline. Affected: yes.
Comment: The NEFL c.262A>C variant is classified as Pathogenic (PS4_Moderate, PM2, PP2, PP3, PP1_Strong)

NM_006158.5(NEFL):c.262A>C (p.Thr88Pro)

Gene: NEFL (neurofilament light chain; minus strand). Cytogenetic location: 8p21.2.
Variant type: single nucleotide variant.
Coding change: c.262A>C on transcript NM_006158.5 (MANE Select); coding-DNA position 262, A replaced by C.
Protein change: p.Thr88Pro; replaces threonine 88 with proline.
Molecular consequence: missense variant.
Genome position (GRCh38, 1-based): chr8:24,956,254, T>G on the plus strand (A>C on the coding strand, the complement: NEFL is on the minus strand). VCF-style: chr8-24956254-T-G. GRCh37 (hg19) VCF-style: chr8-24813768-T-G.
Other names: short protein forms T88P.
Identifiers: ClinVar variation 1412326 (VCV001412326.7), dbSNP rs2117255599, ClinGen allele CA370623007.